The following is an entry in ClinVar:

NM_024408.4(NOTCH2):c.4820G>C (p.Arg1607Pro)

Gene: NOTCH2 (notch receptor 2; minus strand). Cytogenetic location: 1p12.
Variant type: single nucleotide variant.
Coding change: c.4820G>C on transcript NM_024408.4 (MANE Select); coding-DNA position 4820, G replaced by C.
Protein change: p.Arg1607Pro; replaces arginine 1607 with proline.
Molecular consequence: missense variant.
Genome position (GRCh38, 1-based): chr1:119,923,676, C>G on the plus strand (G>C on the coding strand, the complement: NOTCH2 is on the minus strand). VCF-style: chr1-119923676-C-G. GRCh37 (hg19) VCF-style: chr1-120466299-C-G.
Other names: short protein forms R1607P.
Identifiers: ClinVar variation 2783869 (VCV002783869.3), dbSNP rs372710038, ClinGen allele CA1039795.

ClinVar aggregate classification (germline): Uncertain significance (1 of 4 stars; one submission).

Conditions:
Hajdu-Cheney syndrome (HJCYS). Also called: ACROOSTEOLYSIS WITH OSTEOPOROSIS AND CHANGES IN SKULL AND MANDIBLE; Acroosteolysis dominant type; SERPENTINE FIBULA-POLYCYSTIC KIDNEY SYNDROME. Identifiers: Orphanet 955, MedGen C0917715, MONDO:0007057, OMIM 102500.

Allele frequency attached by ClinVar (database versions not stated): ExAC 0.00001.
gnomAD v4.1: 7 of 1,614,138 alleles (0.00043%); highest among the groups gnomAD compares: Non-Finnish European, 0.00059%; no homozygotes.

Submission:

Labcorp Genetics (formerly Invitae), Labcorp
Classification: Uncertain significance for Hajdu-Cheney syndrome. Last evaluated: 2023-06-13. Review status: criteria provided, single submitter. Criteria: Invitae Variant Classification Sherloc (09022015). Collection method: clinical testing. Allele origin: germline.
Comment: In summary, the available evidence is currently insufficient to determine the role of this variant in disease. Therefore, it has been classified as a Variant of Uncertain Significance. An algorithm developed to predict the effect of missense changes on protein structure and function (PolyPhen-2) suggests that this variant is likely to be tolerated. This variant has not been reported in the literature in individuals affected with NOTCH2-related conditions. This variant is present in population databases (rs372710038, gnomAD 0.0009%). This sequence change replaces arginine, which is basic and polar, with proline, which is neutral and non-polar, at codon 1607 of the NOTCH2 protein (p.Arg1607Pro).